The following is an entry in ClinVar:

ClinVar aggregate classification (germline): Conflicting classifications of pathogenicity. Review status: criteria provided, conflicting classifications (1 of 4 stars). 5 submissions from 5 submitters: Uncertain significance (2); Benign (1); Likely benign (2). Last evaluated 2025-06-20.

Conditions:
Inborn genetic diseases. Identifiers: MedGen C0950123, MeSH D030342.

Allele frequency attached by ClinVar (database versions not stated): ESP Exome Variant Server 0.00015; ExAC 0.00020; gnomAD exomes 0.00022 and 0.00023; gnomAD 0.00030 and 0.00031; TOPMed 0.00042.
gnomAD v4.1: 380 of 1,587,480 alleles (0.024%); highest among the groups gnomAD compares: Middle Eastern, 0.17%; 1 homozygote.

Submissions (5):

Labcorp Genetics (formerly Invitae), Labcorp
Classification: Uncertain significance. Last evaluated: 2025-06-20. Review status: criteria provided, single submitter. Criteria: Invitae Variant Classification Sherloc (09022015). Collection method: clinical testing. Allele origin: germline.
Comment: This sequence change falls in intron 2 of the MRPL44 gene. It does not directly change the encoded amino acid sequence of the MRPL44 protein. It affects a nucleotide within the consensus splice site. This variant is present in population databases (rs369491695, gnomAD 0.05%). This variant has not been reported in the literature in individuals affected with MRPL44-related conditions. ClinVar contains an entry for this variant (Variation ID: 214665). Variants that disrupt the consensus splice site are a relatively common cause of aberrant splicing (PMID: 17576681, 9536098). Algorithms developed to predict the effect of sequence changes on RNA splicing suggest that this variant is not likely to affect RNA splicing. In summary, the available evidence is currently insufficient to determine the role of this variant in disease. Therefore, it has been classified as a Variant of Uncertain Significance.

CeGaT Center for Human Genetics Tuebingen
Classification: Likely benign. Last evaluated: 2025-04-01. Review status: criteria provided, single submitter. Criteria: CeGaT Center For Human Genetics Tuebingen Variant Classification Criteria Version 2. Collection method: clinical testing. Allele origin: germline. Affected: yes. Observed: 2 variant alleles.
Comment: MRPL44: BP4

Blueprint Genetics
Classification: Likely benign. Last evaluated: 2024-11-01. Review status: criteria provided, single submitter. Criteria: ACMG Guidelines, 2015. Collection method: clinical testing. Allele origin: germline.

Ambry Genetics
Classification: Uncertain significance for Inborn genetic diseases. Last evaluated: 2022-05-25. Review status: criteria provided, single submitter. Criteria: Ambry Variant Classification Scheme 2023. Collection method: clinical testing. Allele origin: germline.
Comment: The c.648+4C>T intronic alteration consists of a C to T substitution 4 nucleotides after exon 2 of the MRPL44 gene. Based on insufficient or conflicting evidence, the clinical significance of this alteration remains unclear.

GeneDx
Classification: Benign. Last evaluated: 2014-06-13. Review status: criteria provided, single submitter. Criteria: GeneDx Variant Classification (06012015). Collection method: clinical testing. Allele origin: germline. Affected: yes.
Comment: This variant is considered likely benign or benign based on one or more of the following criteria: it is a conservative change, it occurs at a poorly conserved position in the protein, it is predicted to be benign by multiple in silico algorithms, and/or has population frequency not consistent with disease.

Literature cited by the submitters: PubMed 17576681 (cited by Labcorp Genetics (formerly Invitae), Labcorp); PubMed 9536098 (cited by Labcorp Genetics (formerly Invitae), Labcorp).

NM_022915.5(MRPL44):c.648+4C>T

Gene: MRPL44 (mitochondrial ribosomal protein L44; plus strand). Cytogenetic location: 2q36.1.
Variant type: single nucleotide variant.
Coding change: c.648+4C>T on transcript NM_022915.5 (MANE Select); 4 bases into the intron after coding-DNA position 648, C replaced by T.
Molecular consequence: intron variant.
Genome position (GRCh38, 1-based): chr2:223,960,006, C>T. VCF-style: chr2-223960006-C-T. GRCh37 (hg19) VCF-style: chr2-224824723-C-T.
Identifiers: ClinVar variation 214665 (VCV000214665.44), dbSNP rs369491695, ClinGen allele CA322717.